The following is an entry in ClinVar:

ClinVar aggregate classification (germline): Uncertain significance. Review status: criteria provided, multiple submitters, no conflicts (2 of 4 stars). 2 submissions from 2 submitters: Uncertain significance (2). Last evaluated 2025-07-03.

Conditions:
Seizures, benign familial infantile, 3 (BFIS3). Also called: Familial neonatal seizures; CONVULSIONS, BENIGN FAMILIAL INFANTILE, 3. Identifiers: Orphanet 140927, Orphanet 306, MedGen C1843140, MONDO:0011904, OMIM 607745.
Developmental and epileptic encephalopathy, 11 (DEE11). Also called: Early infantile epileptic encephalopathy 11. Identifiers: Orphanet 1934, MedGen C3150987, MONDO:0013388, OMIM 613721.

gnomAD v4.1: 1 of 1,613,926 alleles (0.000062%); highest among the groups gnomAD compares: Admixed American, 0.0017%; no homozygotes.

Submissions (2):

Labcorp Genetics (formerly Invitae), Labcorp
Classification: Uncertain significance for Seizures, benign familial infantile, 3; Developmental and epileptic encephalopathy, 11. Last evaluated: 2025-07-03. Review status: criteria provided, single submitter. Criteria: Invitae Variant Classification Sherloc (09022015). Collection method: clinical testing. Allele origin: germline.
Comment: This sequence change replaces serine, which is neutral and polar, with cysteine, which is neutral and slightly polar, at codon 1124 of the SCN2A protein (p.Ser1124Cys). This variant is not present in population databases (gnomAD no frequency). This missense change has been observed in individual(s) with autism spectrum disorder (PMID: 28867142). ClinVar contains an entry for this variant (Variation ID: 857322). Invitae Evidence Modeling of protein sequence and biophysical properties (such as structural, functional, and spatial information, amino acid conservation, physicochemical variation, residue mobility, and thermodynamic stability) indicates that this missense variant is expected to disrupt SCN2A protein function with a positive predictive value of 95%. In summary, the available evidence is currently insufficient to determine the role of this variant in disease. Therefore, it has been classified as a Variant of Uncertain Significance.

GeneDx
Classification: Uncertain significance. Last evaluated: 2025-02-20. Review status: criteria provided, single submitter. Criteria: GeneDx Variant Classification Process June 2021. Collection method: clinical testing. Allele origin: germline. Affected: yes.
Comment: Reported in a patient with autism who inherited the variant from their mosaic mother; however, no further phenotypic information was provided for the proband or their mother (PMID: 28867142); Not observed at significant frequency in large population cohorts (gnomAD); In silico analysis supports that this missense variant has a deleterious effect on protein structure/function; This substitution is predicted to be in the cytoplasmic loop between the second and third homologous domains; This variant is associated with the following publications: (PMID: 28867142)

Literature cited by the submitters: PubMed 28867142 (cited by Labcorp Genetics (formerly Invitae), Labcorp).

NM_001040142.2(SCN2A):c.3370A>T (p.Ser1124Cys)

Gene: SCN2A (sodium voltage-gated channel alpha subunit 2; plus strand). Cytogenetic location: 2q24.3.
Variant type: single nucleotide variant.
Coding change: c.3370A>T on transcript NM_001040142.2 (MANE Select); coding-DNA position 3370, A replaced by T.
Protein change: p.Ser1124Cys; replaces serine 1124 with cysteine.
Molecular consequence: missense variant.
Genome position (GRCh38, 1-based): chr2:165,354,642, A>T. VCF-style: chr2-165354642-A-T. GRCh37 (hg19) VCF-style: chr2-166211152-A-T.
Other names: c.3370A>T, p.Ser1124Cys (NM_001040143.2, NM_001371246.1, NM_001371247.1 and 1 more transcripts); short protein forms S1124C.
Identifiers: ClinVar variation 857322 (VCV000857322.11), dbSNP rs777414804, ClinGen allele CA349022009.